The following is an entry in ClinVar:

NM_001271.4(CHD2):c.5154-3C>A

Gene: CHD2 (chromodomain helicase DNA binding protein 2; plus strand). Cytogenetic location: 15q26.1.
Variant type: single nucleotide variant.
Coding change: c.5154-3C>A on transcript NM_001271.4 (MANE Select); 3 bases into the intron before coding-DNA position 5154, C replaced by A.
Molecular consequence: intron variant.
Genome position (GRCh38, 1-based): chr15:93,024,369, C>A. VCF-style: chr15-93024369-C-A. GRCh37 (hg19) VCF-style: chr15-93567599-C-A.
Identifiers: ClinVar variation 1462797 (VCV001462797.8), dbSNP rs924030126, ClinGen allele CA274889565.

ClinVar aggregate classification (germline): Uncertain significance. Review status: criteria provided, multiple submitters, no conflicts (2 of 4 stars). 2 submissions from 2 submitters: Uncertain significance (2). Last evaluated 2024-10-16.

Conditions:
Developmental and epileptic encephalopathy 94 (DEE94). Also called: Epileptic encephalopathy, childhood-onset; CHD2-Related Neurodevelopmental Disorders. Identifiers: Orphanet 1942, Orphanet 2382, MedGen C3809278, MONDO:0014150, OMIM 615369.

Allele frequency attached by ClinVar (database versions not stated): gnomAD exomes below 0.00001; gnomAD 0.00001; TOPMed 0.00002.
gnomAD v4.1: 4 of 1,609,880 alleles (0.00025%); highest among the groups gnomAD compares: African/African-American, 0.0027%; no homozygotes.

Submissions (2):

Labcorp Genetics (formerly Invitae), Labcorp
Classification: Uncertain significance for Developmental and epileptic encephalopathy 94. Last evaluated: 2024-10-16. Review status: criteria provided, single submitter. Criteria: Invitae Variant Classification Sherloc (09022015). Collection method: clinical testing. Allele origin: germline.
Comment: This sequence change falls in intron 38 of the CHD2 gene. It does not directly change the encoded amino acid sequence of the CHD2 protein. It affects a nucleotide within the consensus splice site. This variant is present in population databases (no rsID available, gnomAD 0.01%). This variant has not been reported in the literature in individuals affected with CHD2-related conditions. ClinVar contains an entry for this variant (Variation ID: 1462797). Variants that disrupt the consensus splice site are a relatively common cause of aberrant splicing (PMID: 17576681, 9536098). Algorithms developed to predict the effect of sequence changes on RNA splicing suggest that this variant is not likely to affect RNA splicing. In summary, the available evidence is currently insufficient to determine the role of this variant in disease. Therefore, it has been classified as a Variant of Uncertain Significance.

GeneDx
Classification: Uncertain significance. Last evaluated: 2022-02-17. Review status: criteria provided, single submitter. Criteria: GeneDx Variant Classification Process June 2021. Collection method: clinical testing. Allele origin: germline. Affected: yes.
Comment: In-silico analysis is inconclusive as to whether the variant alters gene splicing. In the absence of RNA/functional studies, the actual effect of this sequence change is unknown.; Has not been previously published as pathogenic or benign to our knowledge

Literature cited by the submitters: PubMed 17576681 (cited by Labcorp Genetics (formerly Invitae), Labcorp); PubMed 9536098 (cited by Labcorp Genetics (formerly Invitae), Labcorp).